The following is an entry in ClinVar:

NM_018121.4(SLF2):c.-3G>A

Genes: SLF2 (SMC5/6 complex localization factor 2; plus strand), LOC130004539 (ATAC-STARR-seq lymphoblastoid active region 3901; plus strand). Cytogenetic location: 10q24.31.
Variant type: single nucleotide variant.
Coding change: c.-3G>A on transcript NM_018121.4 (MANE Select); 3 bases upstream of the start codon, G replaced by A.
Molecular consequence: 5 prime UTR variant.
Genome position (GRCh38, 1-based): chr10:100,913,108, G>A. VCF-style: chr10-100913108-G-A. GRCh37 (hg19) VCF-style: chr10-102672865-G-A.
Other names: c.-3G>A (NM_001136123.2, NM_001243770.2).
Identifiers: ClinVar variation 4820940 (VCV004820940.4).

ClinVar aggregate classification (germline): Likely benign (1 of 4 stars; one submission).

Submission:

CeGaT Center for Human Genetics Tuebingen
Classification: Likely benign. Last evaluated: 2026-03-01. Review status: criteria provided, single submitter. Criteria: CeGaT Center For Human Genetics Tuebingen Variant Classification Criteria Version 2. Collection method: clinical testing. Allele origin: germline. Affected: yes. Observed: 1 variant allele.
Comment: SLF2: BP4